The following is an entry in ClinVar:

ClinVar aggregate classification (germline): Uncertain significance. Review status: criteria provided, multiple submitters, no conflicts (2 of 4 stars). 2 submissions from 2 submitters: Uncertain significance (2). Last evaluated 2024-04-12.

Conditions:
Bloom syndrome (BLM). Also called: Bloom-Torre-Machacek syndrome. Identifiers: Orphanet 125, MedGen C0005859, MONDO:0008876, OMIM 210900.
Hereditary cancer-predisposing syndrome. Also called: Neoplastic Syndromes, Hereditary; Tumor predisposition; Hereditary Cancer Syndrome; Hereditary neoplastic syndrome. Identifiers: Orphanet 140162, MedGen C0027672, MeSH D009386, MONDO:0015356.

gnomAD v4.1: 1 of 1,611,694 alleles (0.000062%); highest among the groups gnomAD compares: Non-Finnish European, 0.000085%; no homozygotes.

Submissions (2):

Ambry Genetics
Classification: Uncertain significance for Hereditary cancer-predisposing syndrome. Last evaluated: 2024-04-12. Review status: criteria provided, single submitter. Criteria: Ambry Variant Classification Scheme 2023. Collection method: clinical testing. Allele origin: germline.
Comment: The p.A797P variant (also known as c.2389G>C), located in coding exon 10 of the BLM gene, results from a G to C substitution at nucleotide position 2389. The alanine at codon 797 is replaced by proline, an amino acid with highly similar properties. This amino acid position is conserved. In addition, this alteration is predicted to be deleterious by in silico analysis. Based on the available evidence, the clinical significance of this variant remains unclear.

Labcorp Genetics (formerly Invitae), Labcorp
Classification: Uncertain significance for Bloom syndrome. Last evaluated: 2022-12-03. Review status: criteria provided, single submitter. Criteria: Invitae Variant Classification Sherloc (09022015). Collection method: clinical testing. Allele origin: germline.
Comment: This sequence change replaces alanine, which is neutral and non-polar, with proline, which is neutral and non-polar, at codon 797 of the BLM protein (p.Ala797Pro). This variant is present in population databases (no rsID available, gnomAD 0.0009%). This variant has not been reported in the literature in individuals affected with BLM-related conditions. Advanced modeling of protein sequence and biophysical properties (such as structural, functional, and spatial information, amino acid conservation, physicochemical variation, residue mobility, and thermodynamic stability) performed at Invitae indicates that this missense variant is expected to disrupt BLM protein function. In summary, the available evidence is currently insufficient to determine the role of this variant in disease. Therefore, it has been classified as a Variant of Uncertain Significance.

NM_000057.4(BLM):c.2389G>C (p.Ala797Pro)

Gene: BLM (BLM RecQ like helicase; plus strand). Cytogenetic location: 15q26.1.
Variant type: single nucleotide variant.
Coding change: c.2389G>C on transcript NM_000057.4 (MANE Select); coding-DNA position 2389, G replaced by C.
Protein change: p.Ala797Pro; replaces alanine 797 with proline.
Molecular consequence: missense variant.
Genome position (GRCh38, 1-based): chr15:90,769,214, G>C. VCF-style: chr15-90769214-G-C. GRCh37 (hg19) VCF-style: chr15-91312444-G-C.
Other names: c.2389G>C, p.Ala797Pro (NM_001287246.2, NM_001287247.2); c.1264G>C, p.Ala422Pro (NM_001287248.2); short protein forms A797P, A422P.
Identifiers: ClinVar variation 2818184 (VCV002818184.4), dbSNP rs1459262395, ClinGen allele CA393845195.